The following is an entry in ClinVar:

NC_000001.10:g.(?_68895459)_(68915588_?)dup

Gene: RPE65 (retinoid isomerohydrolase RPE65; minus strand). Cytogenetic location: 1p31.3-31.2.
Variant type: Duplication.
Identifiers: ClinVar variation 2422902 (VCV002422902.3).

ClinVar aggregate classification (germline): Uncertain significance (1 of 4 stars; one submission).

Conditions:
Leber congenital amaurosis 2 (LCA2). Also called: AMAUROSIS CONGENITA OF LEBER II; Autosomal Recessive RPE65-Related Retinal Degeneration. Identifiers: Orphanet 65, MedGen C1859844, MONDO:0008765, OMIM 204100. Disease mechanism: loss of function.
Retinitis pigmentosa 20 (RP20). Identifiers: Orphanet 791, MedGen C3151086, MONDO:0013425, OMIM 613794.

Submission:

Labcorp Genetics (formerly Invitae), Labcorp
Classification: Uncertain significance for Leber congenital amaurosis 2; Retinitis pigmentosa 20. Last evaluated: 2022-10-05. Review status: criteria provided, single submitter. Criteria: Invitae Variant Classification Sherloc (09022015). Collection method: clinical testing. Allele origin: germline.
Comment: A copy number gain of the genomic region encompassing the full coding sequence of the RPE65 gene has been identified. The boundaries of this event are unknown as they extend beyond the assayed region for this gene and therefore may encompass additional genes. As the precise location of this event is unknown, it may be in tandem or it may be located elsewhere in the genome. This variant has not been reported in the literature in individuals affected with RPE65-related conditions. In summary, the available evidence is currently insufficient to determine the role of this variant in disease. Therefore, it has been classified as a Variant of Uncertain Significance.